The following is an entry in ClinVar:

NM_014915.3(ANKRD26):c.1094C>T (p.Pro365Leu)

Gene: ANKRD26 (ankyrin repeat domain 26; minus strand). Cytogenetic location: 10p12.1.
Variant type: single nucleotide variant.
Coding change: c.1094C>T on transcript NM_014915.3 (MANE Select); coding-DNA position 1094, C replaced by T.
Protein change: p.Pro365Leu; replaces proline 365 with leucine.
Molecular consequence: missense variant.
Genome position (GRCh38, 1-based): chr10:27,067,270, G>A on the plus strand (C>T on the coding strand, the complement: ANKRD26 is on the minus strand). VCF-style: chr10-27067270-G-A. GRCh37 (hg19) VCF-style: chr10-27356199-G-A.
Other names: c.1094C>T, p.Pro365Leu (NM_001256053.2); short protein forms P365L.
Identifiers: ClinVar variation 4579176 (VCV004579176.1).

ClinVar aggregate classification (germline): Uncertain significance (1 of 4 stars; one submission).

Conditions:
Inborn genetic diseases. Identifiers: MedGen C0950123, MeSH D030342.

gnomAD v4.1: 1 of 1,612,948 alleles (0.000062%); highest among the groups gnomAD compares: Non-Finnish European, 0.000085%; no homozygotes.

Submission:

Ambry Genetics
Classification: Uncertain significance for Inborn genetic diseases. Last evaluated: 2025-10-06. Review status: criteria provided, single submitter. Criteria: Ambry Variant Classification Scheme 2023. Collection method: clinical testing. Allele origin: germline.
Comment: The p.P365L variant (also known as c.1094C>T), located in coding exon 10 of the ANKRD26 gene, results from a C to T substitution at nucleotide position 1094. The proline at codon 365 is replaced by leucine, an amino acid with similar properties. This amino acid position is conserved. In addition, this alteration is predicted to be tolerated by in silico analysis. Based on the available evidence, the clinical significance of this variant remains unclear.